The following is an entry in ClinVar:

NM_001373.1:c.9067C>T

Gene: DNAH14 (dynein axonemal heavy chain 14; plus strand).
Variant type: single nucleotide variant.
Identifiers: ClinVar variation 4685156 (VCV004685156.1).

ClinVar aggregate classification (germline): Uncertain significance (1 of 4 stars; one submission).

Submission:

GeneDx
Classification: Uncertain significance. Last evaluated: 2025-07-07. Review status: criteria provided, single submitter. Criteria: GeneDx Variant Classification Process June 2021. Collection method: clinical testing. Allele origin: germline. Affected: yes.
Comment: In silico analysis supports that this missense variant has a deleterious effect on protein structure/function; Has not been previously published as pathogenic or benign to our knowledge